The following is an entry in ClinVar:

ClinVar aggregate classification (germline): Uncertain significance (1 of 4 stars; one submission).

Conditions:
Hereditary cancer-predisposing syndrome. Also called: Hereditary neoplastic syndrome; Neoplastic Syndromes, Hereditary; Tumor predisposition; Hereditary Cancer Syndrome. Identifiers: Orphanet 140162, MedGen C0027672, MeSH D009386, MONDO:0015356.

Submission:

Ambry Genetics
Classification: Uncertain significance for Hereditary cancer-predisposing syndrome. Last evaluated: 2025-07-28. Review status: criteria provided, single submitter. Criteria: Ambry Variant Classification Scheme 2023. Collection method: clinical testing. Allele origin: germline.
Comment: The p.S609T variant (also known as c.1825T>A), located in coding exon 15 of the POT1 gene, results from a T to A substitution at nucleotide position 1825. The serine at codon 609 is replaced by threonine, an amino acid with similar properties. This amino acid position is conserved. In addition, the in silico prediction for this alteration is inconclusive. Based on the available evidence, the clinical significance of this variant remains unclear.

NM_015450.3(POT1):c.1825T>A (p.Ser609Thr)

Gene: POT1 (protection of telomeres 1; minus strand). Cytogenetic location: 7q31.33.
Variant type: single nucleotide variant.
Coding change: c.1825T>A on transcript NM_015450.3 (MANE Select); coding-DNA position 1825, T replaced by A.
Protein change: p.Ser609Thr; replaces serine 609 with threonine.
Molecular consequence: missense variant. On other transcripts: non-coding transcript variant (3).
Genome position (GRCh38, 1-based): chr7:124,824,042, A>T on the plus strand (T>A on the coding strand, the complement: POT1 is on the minus strand). VCF-style: chr7-124824042-A-T. GRCh37 (hg19) VCF-style: chr7-124464096-A-T.
Other names: c.1432T>A, p.Ser478Thr (NM_001042594.2); short protein forms S478T, S609T.
Identifiers: ClinVar variation 4141940 (VCV004141940.1).